The following is an entry in ClinVar:

ClinVar aggregate classification (germline): Uncertain significance (1 of 4 stars; one submission).

Submission:

Ambry Genetics
Classification: Uncertain significance. Last evaluated: 2022-08-19. Review status: criteria provided, single submitter. Criteria: Ambry Variant Classification Scheme 2023. Collection method: clinical testing. Allele origin: germline.
Comment: The p.L1197S variant (also known as c.3590T>C), located in coding exon 30 of the PRKDC gene, results from a T to C substitution at nucleotide position 3590. The leucine at codon 1197 is replaced by serine, an amino acid with dissimilar properties. This amino acid position is conserved. In addition, this alteration is predicted to be deleterious by in silico analysis. Since supporting evidence is limited at this time, the clinical significance of this alteration remains unclear.

NM_006904.7(PRKDC):c.3590T>C (p.Leu1197Ser)

Gene: PRKDC (protein kinase, DNA-activated, catalytic subunit; minus strand). Cytogenetic location: 8q11.21.
Variant type: single nucleotide variant.
Coding change: c.3590T>C on transcript NM_006904.7 (MANE Select); coding-DNA position 3590, T replaced by C.
Protein change: p.Leu1197Ser; replaces leucine 1197 with serine.
Molecular consequence: missense variant.
Genome position (GRCh38, 1-based): chr8:47,897,169, A>G on the plus strand (T>C on the coding strand, the complement: PRKDC is on the minus strand). VCF-style: chr8-47897169-A-G. GRCh37 (hg19) VCF-style: chr8-48809729-A-G.
Other names: c.3590T>C, p.Leu1197Ser (NM_001081640.2); short protein forms L1197S.
Identifiers: ClinVar variation 1732992 (VCV001732992.2), dbSNP rs2551874767, ClinGen allele CA371153224.